The following is an entry in ClinVar:

NM_017950.4(CCDC40):c.606C>G (p.His202Gln)

Gene: CCDC40 (coiled-coil domain 40 molecular ruler complex subunit; plus strand). Cytogenetic location: 17q25.3.
Variant type: single nucleotide variant.
Coding change: c.606C>G on transcript NM_017950.4 (MANE Select); coding-DNA position 606, C replaced by G.
Protein change: p.His202Gln; replaces histidine 202 with glutamine.
Molecular consequence: missense variant.
Genome position (GRCh38, 1-based): chr17:80,047,332, C>G. VCF-style: chr17-80047332-C-G. GRCh37 (hg19) VCF-style: chr17-78021131-C-G.
Other names: c.606C>G, p.His202Gln (NM_001243342.2, NM_001330508.2); short protein forms H202Q.
Identifiers: ClinVar variation 2149634 (VCV002149634.4), dbSNP rs1405383901, ClinGen allele CA401352057.

ClinVar aggregate classification (germline): Uncertain significance (1 of 4 stars; one submission).

Conditions:
Primary ciliary dyskinesia. Also called: Ciliary dyskinesia. Identifiers: Orphanet 244, MedGen C0008780, MONDO:0016575, HP:0012265.

Submission:

Labcorp Genetics (formerly Invitae), Labcorp
Classification: Uncertain significance for Primary ciliary dyskinesia. Last evaluated: 2025-10-02. Review status: criteria provided, single submitter. Criteria: Invitae Variant Classification Sherloc (09022015). Collection method: clinical testing. Allele origin: germline.
Comment: This sequence change replaces histidine, which is basic and polar, with glutamine, which is neutral and polar, at codon 202 of the CCDC40 protein (p.His202Gln). This variant is not present in population databases (gnomAD no frequency). This variant has not been reported in the literature in individuals affected with CCDC40-related conditions. ClinVar contains an entry for this variant (Variation ID: 2149634). An algorithm developed to predict the effect of missense changes on protein structure and function (PolyPhen-2) suggests that this variant is likely to be tolerated. In summary, the available evidence is currently insufficient to determine the role of this variant in disease. Therefore, it has been classified as a Variant of Uncertain Significance.